The following is an entry in ClinVar:

NM_020937.4(FANCM):c.5141C>A (p.Ala1714Glu)

Gene: FANCM (FA complementation group M; plus strand). Cytogenetic location: 14q21.2.
Variant type: single nucleotide variant.
Coding change: c.5141C>A on transcript NM_020937.4 (MANE Select); coding-DNA position 5141, C replaced by A.
Protein change: p.Ala1714Glu; replaces alanine 1714 with glutamic acid.
Molecular consequence: missense variant.
Genome position (GRCh38, 1-based): chr14:45,189,163, C>A. VCF-style: chr14-45189163-C-A. GRCh37 (hg19) VCF-style: chr14-45658366-C-A.
Other names: c.5063C>A, p.Ala1688Glu (NM_001308133.2); c.5141C>A (NM_020937.3); short protein forms A1688E, A1714E.
Identifiers: ClinVar variation 864033 (VCV000864033.9), dbSNP rs139383231, ClinGen allele CA259635775.

ClinVar aggregate classification (germline): Uncertain significance. Review status: criteria provided, multiple submitters, no conflicts (2 of 4 stars). 3 submissions from 3 submitters: Uncertain significance (3). Last evaluated 2025-05-28.

Conditions:
Fanconi anemia (FA). Also called: Fanconi's anemia. Identifiers: Orphanet 84, MedGen C0015625, MeSH D005199, MONDO:0019391.

gnomAD v4.1: 5 of 1,614,104 alleles (0.00031%); highest among the groups gnomAD compares: African/African-American, 0.004%; no homozygotes.

Submissions (3):

Quest Diagnostics Nichols Institute San Juan Capistrano
Classification: Uncertain significance. Last evaluated: 2025-05-28. Review status: criteria provided, single submitter. Criteria: Quest Diagnostics criteria. Collection method: clinical testing. Allele origin: unknown.
Comment: The FANCM c.5141C>A (p.Ala1714Glu) variant has not been reported in individuals with FANCM-related conditions in the published literature. It also has not been reported in large, multi-ethnic general populations (Genome Aggregation Database). Analysis of this variant using bioinformatics tools for the prediction of the effect of amino acid changes on protein structure and function yielded predictions that this variant is benign. Based on the available information, we are unable to determine the clinical significance of this variant.

GeneDx
Classification: Uncertain significance. Last evaluated: 2023-07-13. Review status: criteria provided, single submitter. Criteria: GeneDx Variant Classification Process June 2021. Collection method: clinical testing. Allele origin: germline. Affected: yes.
Comment: Not observed at significant frequency in large population cohorts (gnomAD); In silico analysis supports that this missense variant does not alter protein structure/function; Has not been previously published as pathogenic or benign to our knowledge

Labcorp Genetics (formerly Invitae), Labcorp
Classification: Uncertain significance for Fanconi anemia. Last evaluated: 2023-07-10. Review status: criteria provided, single submitter. Criteria: Invitae Variant Classification Sherloc (09022015). Collection method: clinical testing. Allele origin: germline.
Comment: In summary, the available evidence is currently insufficient to determine the role of this variant in disease. Therefore, it has been classified as a Variant of Uncertain Significance. An algorithm developed to predict the effect of missense changes on protein structure and function (PolyPhen-2) suggests that this variant is likely to be tolerated. ClinVar contains an entry for this variant (Variation ID: 864033). This variant has not been reported in the literature in individuals affected with FANCM-related conditions. This variant is not present in population databases (gnomAD no frequency). This sequence change replaces alanine, which is neutral and non-polar, with glutamic acid, which is acidic and polar, at codon 1714 of the FANCM protein (p.Ala1714Glu).